The following is an entry in ClinVar:

NM_001164508.2(NEB):c.18436T>C (p.Ser6146Pro)

Gene: NEB (nebulin; minus strand). Cytogenetic location: 2q23.3.
Variant type: single nucleotide variant.
Coding change: c.18436T>C on transcript NM_001164508.2 (MANE Select); coding-DNA position 18436, T replaced by C.
Protein change: p.Ser6146Pro; replaces serine 6146 with proline.
Molecular consequence: missense variant.
Genome position (GRCh38, 1-based): chr2:151,565,079, A>G on the plus strand (T>C on the coding strand, the complement: NEB is on the minus strand). VCF-style: chr2-151565079-A-G. GRCh37 (hg19) VCF-style: chr2-152421593-A-G.
Other names: c.18436T>C, p.Ser6146Pro (NM_001164507.2, NM_001271208.2); c.13333T>C, p.Ser4445Pro (NM_004543.5); short protein forms S4445P, S6146P.
Identifiers: ClinVar variation 1427054 (VCV001427054.5), dbSNP rs1231291915, ClinGen allele CA348800647.

ClinVar aggregate classification (germline): Uncertain significance (1 of 4 stars; one submission).

Conditions:
Nemaline myopathy 2 (NEM2). Also called: Nemaline myopathy 2, autosomal recessive. Identifiers: MedGen C1850569, MONDO:0009725, OMIM 256030.

Allele frequency attached by ClinVar (database versions not stated): gnomAD exomes below 0.00001.
gnomAD v4.1: 1 of 1,597,026 alleles (0.000063%); highest among the groups gnomAD compares: Admixed American, 0.0017%; no homozygotes.

Submission:

Labcorp Genetics (formerly Invitae), Labcorp
Classification: Uncertain significance for Nemaline myopathy 2. Last evaluated: 2021-09-01. Review status: criteria provided, single submitter. Criteria: Invitae Variant Classification Sherloc (09022015). Collection method: clinical testing. Allele origin: germline.
Comment: This sequence change replaces serine with proline at codon 6146 of the NEB protein (p.Ser6146Pro). The serine residue is weakly conserved and there is a moderate physicochemical difference between serine and proline. This variant is not present in population databases (ExAC no frequency). This variant has not been reported in the literature in individuals affected with NEB-related conditions. Algorithms developed to predict the effect of missense changes on protein structure and function are either unavailable or do not agree on the potential impact of this missense change (SIFT: "Tolerated"; PolyPhen-2: "Not Available"; Align-GVGD: "Class C0"). In summary, the available evidence is currently insufficient to determine the role of this variant in disease. Therefore, it has been classified as a Variant of Uncertain Significance.